The following is an entry in ClinVar:

NM_000349.3(STAR):c.110G>T (p.Arg37Leu)

Gene: STAR (steroidogenic acute regulatory protein; minus strand). Cytogenetic location: 8p11.23.
Variant type: single nucleotide variant.
Coding change: c.110G>T on transcript NM_000349.3 (MANE Select); coding-DNA position 110, G replaced by T.
Protein change: p.Arg37Leu; replaces arginine 37 with leucine.
Molecular consequence: missense variant.
Genome position (GRCh38, 1-based): chr8:38,148,709, C>A on the plus strand (G>T on the coding strand, the complement: STAR is on the minus strand). VCF-style: chr8-38148709-C-A. GRCh37 (hg19) VCF-style: chr8-38006227-C-A.
Other names: short protein forms R37L.
Identifiers: ClinVar variation 3353643 (VCV003353643.3).

ClinVar aggregate classification (germline): Uncertain significance. Review status: criteria provided, multiple submitters, no conflicts (2 of 4 stars). 3 submissions from 3 submitters: Uncertain significance (2). 1 of the submissions does not count toward it. Last evaluated 2025-02-24.

Conditions:
STAR-related disorder. Also called: STAR-related condition.
Congenital lipoid adrenal hyperplasia due to STAR deficency. Also called: Cholesterol monooxygenase (side-chain cleaving) deficiency; Lipoid adrenal hyperplasia; ADRENAL HYPERPLASIA I; Congenital Lipoid Adrenal Hyperplasia. Identifiers: Orphanet 418, Orphanet 90790, MedGen C0342474, MONDO:0008725, OMIM 201710.

Submissions (3):

Revvity Omics, Revvity
Classification: Uncertain significance for Congenital lipoid adrenal hyperplasia due to STAR deficency. Last evaluated: 2025-02-24. Review status: criteria provided, single submitter. Criteria: ACMG Guidelines, 2015. Collection method: clinical testing. Allele origin: germline.

Department of Pathology and Laboratory Medicine, Sinai Health System
Classification: Uncertain significance for Congenital lipoid adrenal hyperplasia due to STAR deficency. Last evaluated: 2022-07-25. Review status: criteria provided, single submitter. Criteria: ACMG Guidelines, 2015. Collection method: research. Allele origin: germline.

PreventionGenetics, part of Exact Sciences
Classification: Uncertain significance for STAR-related condition. Last evaluated: 2024-08-24. Review status: no assertion criteria provided. Collection method: clinical testing. Allele origin: germline. Not counted in ClinVar's aggregate classification.
Comment: The STAR c.110G>T variant is predicted to result in the amino acid substitution p.Arg37Leu. To our knowledge, this variant has not been reported in the literature. This variant is reported in 0.020% of alleles in individuals of South Asian descent in gnomAD. At this time, the clinical significance of this variant is uncertain due to the absence of conclusive functional and genetic evidence.